The following is an entry in ClinVar:

ClinVar aggregate classification (germline): Uncertain significance (1 of 4 stars; one submission).

Conditions:
Neurofibromatosis, type 1 (NF1). Also called: VON RECKLINGHAUSEN DISEASE; Peripheral type neurofibromatosis; Neurofibromatosis, type I; NEUROFIBROMATOSIS, TYPE I, SOMATIC. Identifiers: Orphanet 636, MedGen C0027831, MONDO:0018975, OMIM 162200. Disease mechanism: loss of function.

Allele frequency attached by ClinVar (database versions not stated): gnomAD exomes below 0.00001.

Submission:

Labcorp Genetics (formerly Invitae), Labcorp
Classification: Uncertain significance for Neurofibromatosis, type 1. Last evaluated: 2026-01-14. Review status: criteria provided, single submitter. Criteria: Invitae Variant Classification Sherloc (09022015). Collection method: clinical testing. Allele origin: germline.
Comment: This sequence change replaces methionine, which is neutral and non-polar, with threonine, which is neutral and polar, at codon 1342 of the NF1 protein (p.Met1342Thr). This variant is present in population databases (no rsID available, gnomAD 0.003%). This variant has not been reported in the literature in individuals affected with NF1-related conditions. ClinVar contains an entry for this variant (Variation ID: 1384713). Invitae Evidence Modeling of protein sequence and biophysical properties (such as structural, functional, and spatial information, amino acid conservation, physicochemical variation, residue mobility, and thermodynamic stability) indicates that this missense variant is not expected to disrupt NF1 protein function with a negative predictive value of 95%. In summary, the available evidence is currently insufficient to determine the role of this variant in disease. Therefore, it has been classified as a Variant of Uncertain Significance.

NM_001042492.3(NF1):c.4025T>C (p.Met1342Thr)

Gene: NF1 (neurofibromin 1; plus strand). Cytogenetic location: 17q11.2.
Variant type: single nucleotide variant.
Coding change: c.4025T>C on transcript NM_001042492.3 (MANE Select); coding-DNA position 4025, T replaced by C.
Protein change: p.Met1342Thr; replaces methionine 1342 with threonine.
Molecular consequence: missense variant.
Genome position (GRCh38, 1-based): chr17:31,249,034, T>C. VCF-style: chr17-31249034-T-C. GRCh37 (hg19) VCF-style: chr17-29576052-T-C.
Other names: c.4025T>C, p.Met1342Thr (NM_000267.4); short protein forms M1342T.
Identifiers: ClinVar variation 1384713 (VCV001384713.8), dbSNP rs1326621088, ClinGen allele CA398994915.